The following is an entry in ClinVar:

ClinVar aggregate classification (germline): Uncertain significance (1 of 4 stars; one submission).

Conditions:
Hyperaldosteronism, familial, type IV (HALD4). Also called: FH IV; ALDOSTERONISM, PRIMARY, AND HYPERTENSION. Identifiers: Orphanet 642671, MedGen C4310756, MONDO:0014875, OMIM 617027.
Idiopathic generalized epilepsy. Also called: EIG; Generalised epilepsy. Identifiers: MedGen C0270850, MONDO:0005579, OMIM 600669.

gnomAD v4.1: 2 of 1,612,432 alleles (0.00012%); highest among the groups gnomAD compares: Non-Finnish European, 0.00017%; no homozygotes.

Submission:

Labcorp Genetics (formerly Invitae), Labcorp
Classification: Uncertain significance for Idiopathic generalized epilepsy; Hyperaldosteronism, familial, type IV. Last evaluated: 2018-12-28. Review status: criteria provided, single submitter. Criteria: Invitae Variant Classification Sherloc (09022015). Collection method: clinical testing. Allele origin: germline.
Comment: In summary, the available evidence is currently insufficient to determine the role of this variant in disease. Therefore, it has been classified as a Variant of Uncertain Significance. Algorithms developed to predict the effect of missense changes on protein structure and function are either unavailable or do not agree on the potential impact of this missense change (SIFT: "Tolerated"; PolyPhen-2: "Possibly Damaging"; Align-GVGD: "Class C0"). This variant has not been reported in the literature in individuals with CACNA1H-related conditions. This variant is not present in population databases (ExAC no frequency). This sequence change replaces aspartic acid with asparagine at codon 709 of the CACNA1H protein (p.Asp709Asn). The aspartic acid residue is moderately conserved and there is a small physicochemical difference between aspartic acid and asparagine.

NM_021098.3(CACNA1H):c.2125G>A (p.Asp709Asn)

Gene: CACNA1H (calcium voltage-gated channel subunit alpha1 H; plus strand). Cytogenetic location: 16p13.3.
Variant type: single nucleotide variant.
Coding change: c.2125G>A on transcript NM_021098.3 (MANE Select); coding-DNA position 2125, G replaced by A.
Protein change: p.Asp709Asn; replaces aspartic acid 709 with asparagine.
Molecular consequence: missense variant.
Genome position (GRCh38, 1-based): chr16:1,204,132, G>A. VCF-style: chr16-1204132-G-A. GRCh37 (hg19) VCF-style: chr16-1254132-G-A.
Other names: c.2125G>A, p.Asp709Asn (NM_001005407.2); short protein forms D709N.
Identifiers: ClinVar variation 654874 (VCV000654874.8), dbSNP rs1596419043, ClinGen allele CA394165760.